The following is an entry in ClinVar:

NM_198576.4(AGRN):c.4238G>A (p.Gly1413Asp)

Gene: AGRN (agrin; plus strand). Cytogenetic location: 1p36.33.
Variant type: single nucleotide variant.
Coding change: c.4238G>A on transcript NM_198576.4 (MANE Select); coding-DNA position 4238, G replaced by A.
Protein change: p.Gly1413Asp; replaces glycine 1413 with aspartic acid.
Molecular consequence: missense variant.
Genome position (GRCh38, 1-based): chr1:1,048,999, G>A. VCF-style: chr1-1048999-G-A. GRCh37 (hg19) VCF-style: chr1-984379-G-A.
Other names: c.4238G>A, p.Gly1413Asp (NM_001305275.2); c.3923G>A, p.Gly1308Asp (NM_001364727.2); short protein forms G1308D, G1413D.
Identifiers: ClinVar variation 1524139 (VCV001524139.6), dbSNP rs2100673336, ClinGen allele CA337776929.
Genomic context (GRCh38, chr1:1,048,999, plus strand): 5'-CGCTGCGCCTGGCACTGGAATTCCGGGCGCTGGAGCCTCAGGGGCTGCTGCTGTACAATG[G>A]CAACGCCCGGGGCAAGGACTTCCTGGCATTGGCGCTGCTAGATGGCCGCGTGCAGCTCAG-3'
Protein context (NP_940978.2, residues 1403-1423): LEPQGLLLYN[Gly1413Asp]NARGKDFLAL

ClinVar aggregate classification (germline): Uncertain significance (1 of 4 stars; one submission).

Conditions:
Congenital myasthenic syndrome 8. Also called: MYASTHENIC SYNDROME, CONGENITAL, DUE TO AGRIN DEFICIENCY; Myasthenic syndrome, congenital, 8, with pre- and postsynaptic defects. Identifiers: Orphanet 590, MedGen C3808739, MONDO:0014052, OMIM 615120.

Allele frequency attached by ClinVar (database versions not stated): gnomAD 0.00001; gnomAD exomes 0.00001; 1000 Genomes Project 30x 0.00016.
gnomAD v4.1: 11 of 1,580,936 alleles (0.0007%); highest among the groups gnomAD compares: South Asian, 0.0081%; no homozygotes.

Submission:

Labcorp Genetics (formerly Invitae), Labcorp
Classification: Uncertain significance for Congenital myasthenic syndrome 8. Last evaluated: 2022-03-18. Review status: criteria provided, single submitter. Criteria: Invitae Variant Classification Sherloc (09022015). Collection method: clinical testing. Allele origin: germline.
Comment: This sequence change replaces glycine, which is neutral and non-polar, with aspartic acid, which is acidic and polar, at codon 1413 of the AGRN protein (p.Gly1413Asp). This variant is not present in population databases (gnomAD no frequency). This variant has not been reported in the literature in individuals affected with AGRN-related conditions. Algorithms developed to predict the effect of missense changes on protein structure and function are either unavailable or do not agree on the potential impact of this missense change (SIFT: "Deleterious"; PolyPhen-2: "Probably Damaging"; Align-GVGD: "Class C0"). In summary, the available evidence is currently insufficient to determine the role of this variant in disease. Therefore, it has been classified as a Variant of Uncertain Significance.